The following is an entry in ClinVar:

NM_000152.5(GAA):c.1800C>T (p.Arg600=)

Gene: GAA (alpha glucosidase; plus strand). Cytogenetic location: 17q25.3.
Variant type: single nucleotide variant.
Coding change: c.1800C>T on transcript NM_000152.5 (MANE Select); coding-DNA position 1800, C replaced by T.
Protein change: p.Arg600=; no amino-acid change (arginine 600 retained).
Molecular consequence: synonymous variant.
Genome position (GRCh38, 1-based): chr17:80,112,623, C>T. VCF-style: chr17-80112623-C-T. GRCh37 (hg19) VCF-style: chr17-78086422-C-T.
Other names: c.1800C>T (NM_000152.4); c.1800C>T, p.Arg600= (NM_001079803.3, NM_001079804.3).
Identifiers: ClinVar variation 721439 (VCV000721439.10), dbSNP rs1598584611, ClinGen allele CA502402529.

ClinVar aggregate classification (germline): Likely benign. Review status: criteria provided, single submitter (1 of 4 stars). 2 submissions from 2 submitters: Likely benign (1). 1 of the submissions does not count toward it. Last evaluated 2023-11-24.

Conditions:
GAA-related disorder. Also called: GAA-related condition.
Glycogen storage disease, type II (IOPD). Also called: CARDIOMEGALIA GLYCOGENICA DIFFUSA; GLYCOGENOSIS, GENERALIZED, CARDIAC FORM; GSD II; Pompe Disease; Glucosidase acid-1,4-alpha deficiency; Glycogen storage disease type 2. Identifiers: Orphanet 365, MedGen C0017921, MONDO:0009290, OMIM 232300.

Allele frequency attached by ClinVar (database versions not stated): gnomAD exomes below 0.00001.
gnomAD v4.1: 6 of 1,613,034 alleles (0.00037%); highest among the groups gnomAD compares: Admixed American, 0.0017%; no homozygotes.

Submissions (2):

Labcorp Genetics (formerly Invitae), Labcorp
Classification: Likely benign for Glycogen storage disease, type II. Last evaluated: 2023-11-24. Review status: criteria provided, single submitter. Criteria: Invitae Variant Classification Sherloc (09022015). Collection method: clinical testing. Allele origin: germline.

PreventionGenetics, part of Exact Sciences
Classification: Likely benign for GAA-related condition. Last evaluated: 2022-10-04. Review status: no assertion criteria provided. Collection method: clinical testing. Allele origin: germline. Not counted in ClinVar's aggregate classification.
Comment: This variant is classified as likely benign based on ACMG/AMP sequence variant interpretation guidelines (Richards et al. 2015 PMID: 25741868, with internal and published modifications).